The following is an entry in ClinVar:

ClinVar aggregate classification (germline): Uncertain significance (1 of 4 stars; one submission).

Conditions:
Cardiovascular phenotype. Identifiers: MedGen CN230736.

Submission:

Ambry Genetics
Classification: Uncertain significance for Cardiovascular phenotype. Last evaluated: 2024-11-10. Review status: criteria provided, single submitter. Criteria: Ambry Variant Classification Scheme 2023. Collection method: clinical testing. Allele origin: germline.
Comment: The p.Q3697K variant (also known as c.11089C>A), located in coding exon 42 of the ANK2 gene, results from a C to A substitution at nucleotide position 11089. The glutamine at codon 3697 is replaced by lysine, an amino acid with similar properties. This amino acid position is conserved. In addition, the in silico prediction for this alteration is inconclusive. Based on the available evidence, the clinical significance of this variant remains unclear.

NM_001148.6(ANK2):c.11089C>A (p.Gln3697Lys)

Gene: ANK2 (ankyrin 2; plus strand). Cytogenetic location: 4q26.
Variant type: single nucleotide variant.
Coding change: c.11089C>A on transcript NM_001148.6 (MANE Select); coding-DNA position 11089, C replaced by A.
Protein change: p.Gln3697Lys; replaces glutamine 3697 with lysine.
Molecular consequence: missense variant.
Genome position (GRCh38, 1-based): chr4:113,367,622, C>A. VCF-style: chr4-113367622-C-A. GRCh37 (hg19) VCF-style: chr4-114288778-C-A.
Other names: c.4831C>A, p.Gln1611Lys (NM_001354246.2, NM_001354265.2, NM_001354235.2); c.4648C>A, p.Gln1550Lys (NM_001354249.2, NM_001354266.2, NM_001354267.2 and 2 more transcripts); c.4804C>A, p.Gln1602Lys (NM_001354252.2, NM_001354239.2); c.4609C>A, p.Gln1537Lys (NM_001354253.2, NM_001354270.2); c.4783C>A, p.Gln1595Lys (NM_001354254.2); c.4771C>A, p.Gln1591Lys (NM_001354255.2, NM_001386143.1, NM_001354243.2); c.4768C>A, p.Gln1590Lys (NM_001354256.2, NM_001386161.1, NM_001354244.2); c.4573C>A, p.Gln1525Lys (NM_001354257.2, NM_001386156.1); and 35 more; short protein forms Q1512K, Q1525K, Q1534K, Q1557K, Q1603K, Q2497K, Q3736K, Q800K.
Identifiers: ClinVar variation 3540545 (VCV003540545.1).